The following is an entry in ClinVar:

ClinVar aggregate classification (germline): Likely benign. Review status: criteria provided, multiple submitters, no conflicts (2 of 4 stars). 4 submissions from 4 submitters: Likely benign (3). 1 of the submissions does not count toward it. Last evaluated 2025-04-24.

Conditions:
ARL13B-related disorder. Also called: ARL13B-related condition.
Joubert syndrome 8 (JBTS8). Identifiers: Orphanet 475, MedGen C2676771, MONDO:0012855, OMIM 612291.

Submissions (4):

Labcorp Genetics (formerly Invitae), Labcorp
Classification: Likely benign for Joubert syndrome 8. Last evaluated: 2025-04-24. Review status: criteria provided, single submitter. Criteria: Invitae Variant Classification Sherloc (09022015). Collection method: clinical testing. Allele origin: germline.

Blueprint Genetics
Classification: Likely benign. Last evaluated: 2022-10-05. Review status: criteria provided, single submitter. Criteria: ACMG Guidelines, 2015. Collection method: clinical testing. Allele origin: germline.

Breakthrough Genomics
Classification: Likely benign. Review status: criteria provided, single submitter. Criteria: ACMG Guidelines, 2015. Collection method: not provided. Allele origin: germline. Inheritance: Autosomal recessive inheritance. Affected: yes.

PreventionGenetics, part of Exact Sciences
Classification: Likely benign for ARL13B-related condition. Last evaluated: 2019-05-02. Review status: no assertion criteria provided. Collection method: clinical testing. Allele origin: germline. Not counted in ClinVar's aggregate classification.
Comment: This variant is classified as likely benign based on ACMG/AMP sequence variant interpretation guidelines (Richards et al. 2015 PMID: 25741868, with internal and published modifications).

NM_001174150.2(ARL13B):c.1134T>A (p.Pro378=)

Gene: ARL13B (ARF like GTPase 13B; plus strand). Cytogenetic location: 3q11.2.
Variant type: single nucleotide variant.
Coding change: c.1134T>A on transcript NM_001174150.2 (MANE Select); coding-DNA position 1134, T replaced by A.
Protein change: p.Pro378=; no amino-acid change (proline 378 retained).
Molecular consequence: synonymous variant. On other transcripts: non-coding transcript variant (2).
Genome position (GRCh38, 1-based): chr3:94,049,515, T>A. VCF-style: chr3-94049515-T-A. GRCh37 (hg19) VCF-style: chr3-93768359-T-A.
Other names: c.825T>A, p.Pro275= (NM_001174151.2); c.1089T>A, p.Pro363= (NM_001321328.2); c.813T>A, p.Pro271= (NM_144996.4); c.1134T>A, p.Pro378= (NM_182896.3).
Identifiers: ClinVar variation 757298 (VCV000757298.12), dbSNP rs1401884380, ClinGen allele CA434629958.